The following is an entry in ClinVar:

ClinVar aggregate classification (germline): Uncertain significance (1 of 4 stars; one submission).

Submission:

GeneDx
Classification: Uncertain significance. Last evaluated: 2024-10-31. Review status: criteria provided, single submitter. Criteria: GeneDx Variant Classification Process June 2021. Collection method: clinical testing. Allele origin: germline. Affected: yes.
Comment: Not observed at significant frequency in large population cohorts (gnomAD); In silico analysis indicates that this missense variant does not alter protein structure/function; Has not been previously published as pathogenic or benign to our knowledge

NM_003718.5(CDK13):c.4C>T (p.Pro2Ser)

Gene: CDK13 (cyclin dependent kinase 13; plus strand). Cytogenetic location: 7p14.1.
Variant type: single nucleotide variant.
Coding change: c.4C>T on transcript NM_003718.5 (MANE Select); coding-DNA position 4, C replaced by T.
Protein change: p.Pro2Ser; replaces proline 2 with serine.
Molecular consequence: missense variant.
Genome position (GRCh38, 1-based): chr7:39,950,645, C>T. VCF-style: chr7-39950645-C-T. GRCh37 (hg19) VCF-style: chr7-39990244-C-T.
Other names: c.4C>T, p.Pro2Ser (NM_031267.4); short protein forms P2S.
Identifiers: ClinVar variation 3897307 (VCV003897307.1).
Genomic context (GRCh38, chr7:39,950,645, plus strand): 5'-GGATCTGACCCGGGAGGAGGCCGCACCCGCGCCGCGCTCTGCGGCTGGCTCTAGGCGATG[C>T]CGAGCAGCTCGGACACGGCGCTGGGGGGAGGCGGGGGCCTGAGCTGGGCGGAGAAGAAGT-3'
Protein context (NP_003709.3, residues 1-12): M[Pro2Ser]SSSDTALGGG